The following is an entry in ClinVar:

ClinVar aggregate classification (germline): Likely benign. Review status: criteria provided, multiple submitters, no conflicts (2 of 4 stars). 2 submissions from 2 submitters: Likely benign (2). Last evaluated 2025-03-17.

Submissions (2):

Labcorp Genetics (formerly Invitae), Labcorp
Classification: Likely benign. Last evaluated: 2025-03-17. Review status: criteria provided, single submitter. Criteria: Invitae Variant Classification Sherloc (09022015). Collection method: clinical testing. Allele origin: germline.

GeneDx
Classification: Likely benign. Last evaluated: 2016-11-10. Review status: criteria provided, single submitter. Criteria: GeneDx Variant Classification (06012015). Collection method: clinical testing. Allele origin: germline. Affected: yes.
Comment: This variant is considered likely benign or benign based on one or more of the following criteria: it is a conservative change, it occurs at a poorly conserved position in the protein, it is predicted to be benign by multiple in silico algorithms, and/or has population frequency not consistent with disease.

NM_173630.4(RTTN):c.5323+7_5323+9del

Gene: RTTN (rotatin; minus strand). Cytogenetic location: 18q22.2.
Variant type: Microsatellite.
Coding change: c.5323+7_5323+9del on transcript NM_173630.4 (MANE Select); bases 7 to 9 of the intron after coding-DNA position 5323, 3 bases deleted (AGA; older notation c.5323+7_5323+9delAGA).
Molecular consequence: intron variant.
Genome position (GRCh38, 1-based): chr18:70,051,402-70,051,404, TCT deleted on the plus strand (AGA on the coding strand, the reverse complement: RTTN is on the minus strand); deleting any 3 consecutive bases within chr18:70,051,402-70,051,408 gives the same sequence; the c. name uses the placement nearest the transcript's 3' end. VCF-style (leftmost placement, unchanged base first): chr18-70051401-ATCT-A. GRCh37 (hg19) VCF-style: chr18-67718637-ATCT-A.
Other names: c.5323+7_5323+9delAGA (NM_173630.3); c.2587+7_2587+9del (NM_001318520.2).
Identifiers: ClinVar variation 422588 (VCV000422588.8), dbSNP rs770541694, ClinGen allele CA8994978.